The following is an entry in ClinVar:

ClinVar aggregate classification (germline): Likely pathogenic (1 of 4 stars; one submission).

Conditions:
Dilated cardiomyopathy 1G (CMD1G). Identifiers: Orphanet 154, MedGen C1858763, MONDO:0011400, OMIM 604145.
Autosomal recessive limb-girdle muscular dystrophy type 2J (LGMDR10). Also called: Limb-girdle muscular dystrophy, type 2J; MUSCULAR DYSTROPHY, LIMB-GIRDLE, AUTOSOMAL RECESSIVE 10. Identifiers: Orphanet 140922, MedGen C1837342, MONDO:0012127, OMIM 608807.

Allele frequency attached by ClinVar (database versions not stated): gnomAD exomes below 0.00001.

Submission:

Labcorp Genetics (formerly Invitae), Labcorp
Classification: Likely pathogenic for Dilated cardiomyopathy 1G; Autosomal recessive limb-girdle muscular dystrophy type 2J. Last evaluated: 2024-01-12. Review status: criteria provided, single submitter. Criteria: Invitae Variant Classification Sherloc (09022015). Collection method: clinical testing. Allele origin: germline.
Comment: This sequence change affects a donor splice site in intron 317 of the TTN gene. It is expected to disrupt RNA splicing and likely results in a truncated or disrupted TTN protein. This variant is not present in population databases (gnomAD no frequency). This variant has not been reported in the literature in individuals affected with TTN-related conditions. Algorithms developed to predict the effect of sequence changes on RNA splicing suggest that this variant may disrupt the consensus splice site. This variant is located in the A band of TTN (PMID: 25589632). Truncating variants in this region are significantly overrepresented in patients affected with dilated cardiomyopathy (PMID: 25589632). Truncating variants in this region have also been reported in individuals affected with autosomal recessive centronuclear myopathy (PMID: 23975875). In summary, the currently available evidence indicates that the variant is pathogenic, but additional data are needed to prove that conclusively. Therefore, this variant has been classified as Likely Pathogenic.

Literature cited by the submitters: PubMed 25589632; PubMed 23975875.

NM_001267550.2(TTN):c.67057+1G>A

Genes: TTN (titin; minus strand), TTN-AS1 (TTN antisense RNA 1; plus strand). Cytogenetic location: 2q31.2.
Variant type: single nucleotide variant.
Coding change: c.67057+1G>A on transcript NM_001267550.2 (MANE Select); the canonical splice donor site of the intron after coding-DNA position 67057, G replaced by A.
Molecular consequence: splice donor variant.
Genome position (GRCh38, 1-based): chr2:178,580,321, C>T on the plus strand (G>A on the coding strand, the complement: TTN is on the minus strand). VCF-style: chr2-178580321-C-T. GRCh37 (hg19) VCF-style: chr2-179445048-C-T.
Other names: c.39862+1G>A (NM_003319.4); c.40438+1G>A (NM_133437.4); c.40237+1G>A (NM_133432.3); c.59353+1G>A (NM_133378.4); c.62134+1G>A (NM_001256850.1).
Identifiers: ClinVar variation 2921700 (VCV002921700.3), dbSNP rs2468924341, ClinGen allele CA349424668.